The following is an entry in ClinVar:

ClinVar aggregate classification (germline): Benign/Likely benign. Review status: criteria provided, multiple submitters, no conflicts (2 of 4 stars). 3 submissions from 3 submitters: Benign (1); Likely benign (2). Last evaluated 2025-05-29.

Conditions:
Hereditary cancer-predisposing syndrome. Also called: Hereditary neoplastic syndrome; Neoplastic Syndromes, Hereditary; Tumor predisposition; Hereditary Cancer Syndrome. Identifiers: Orphanet 140162, MedGen C0027672, MeSH D009386, MONDO:0015356.
Tuberous sclerosis 2 (TSC2). Identifiers: Orphanet 805, MedGen C1860707, MONDO:0013199, OMIM 613254.

Allele frequency attached by ClinVar (database versions not stated): TOPMed 0.00001; gnomAD 0.00003.
gnomAD v4.1: 1 of 1,612,978 alleles (0.000062%); no homozygotes.

Submissions (3):

Myriad Genetics, Inc.
Classification: Benign for Tuberous sclerosis 2. Last evaluated: 2025-05-29. Review status: criteria provided, single submitter. Criteria: Myriad Autosomal Dominant, Autosomal Recessive and X-Linked Classification Criteria (2023). Collection method: clinical testing. Allele origin: unknown.
Comment: This variant is considered benign. This variant is a silent/synonymous amino acid change and it is not expected to impact splicing.

Labcorp Genetics (formerly Invitae), Labcorp
Classification: Likely benign for Tuberous sclerosis 2. Last evaluated: 2023-04-28. Review status: criteria provided, single submitter. Criteria: Invitae Variant Classification Sherloc (09022015). Collection method: clinical testing. Allele origin: germline.

Ambry Genetics
Classification: Likely benign for Hereditary cancer-predisposing syndrome. Last evaluated: 2019-12-09. Review status: criteria provided, single submitter. Criteria: Ambry Variant Classification Scheme 2023. Collection method: clinical testing. Allele origin: germline.

NM_000548.5(TSC2):c.3447C>T (p.Phe1149=)

Gene: TSC2 (TSC complex subunit 2; plus strand). Cytogenetic location: 16p13.3.
Variant type: single nucleotide variant.
Coding change: c.3447C>T on transcript NM_000548.5 (MANE Select); coding-DNA position 3447, C replaced by T.
Protein change: p.Phe1149=; no amino-acid change (phenylalanine 1149 retained).
Molecular consequence: synonymous variant.
Genome position (GRCh38, 1-based): chr16:2,080,214, C>T. VCF-style: chr16-2080214-C-T. GRCh37 (hg19) VCF-style: chr16-2130215-C-T.
Other names: c.3315C>T, p.Phe1105= (NM_001077183.3, NM_001370404.1); c.3447C>T, p.Phe1149= (NM_001114382.3); c.3207C>T, p.Phe1069= (NM_001318827.2); c.3171C>T, p.Phe1057= (NM_001318829.2); c.2715C>T, p.Phe905= (NM_001318831.2); c.3348C>T, p.Phe1116= (NM_001318832.2); c.3318C>T, p.Phe1106= (NM_001363528.2, NM_001370405.1, NM_021055.3).
Identifiers: ClinVar variation 739795 (VCV000739795.12), dbSNP rs1265832990, ClinGen allele CA493042838.